The following is an entry in ClinVar:

NM_025099.6(CTC1):c.2471C>T (p.Pro824Leu)

Gene: CTC1 (CST telomere replication complex component 1; minus strand). Cytogenetic location: 17p13.1.
Variant type: single nucleotide variant.
Coding change: c.2471C>T on transcript NM_025099.6 (MANE Select); coding-DNA position 2471, C replaced by T.
Protein change: p.Pro824Leu; replaces proline 824 with leucine.
Molecular consequence: missense variant. On other transcripts: non-coding transcript variant (1).
Genome position (GRCh38, 1-based): chr17:8,231,730, G>A on the plus strand (C>T on the coding strand, the complement: CTC1 is on the minus strand). VCF-style: chr17-8231730-G-A. GRCh37 (hg19) VCF-style: chr17-8135048-G-A.
Other names: c.2471C>T, p.Pro824Leu (NM_001411067.1); short protein forms P824L.
Identifiers: ClinVar variation 2416983 (VCV002416983.6), dbSNP rs756203680, ClinGen allele CA397976488.

ClinVar aggregate classification (germline): Uncertain significance (1 of 4 stars; one submission).

Conditions:
Dyskeratosis congenita. Identifiers: Orphanet 1775, MedGen C0265965, MONDO:0015780.

Allele frequency attached by ClinVar (database versions not stated): TOPMed 0.00001.

Submission:

Labcorp Genetics (formerly Invitae), Labcorp
Classification: Uncertain significance for Dyskeratosis congenita. Last evaluated: 2022-04-07. Review status: criteria provided, single submitter. Criteria: Invitae Variant Classification Sherloc (09022015). Collection method: clinical testing. Allele origin: germline.
Comment: In summary, the available evidence is currently insufficient to determine the role of this variant in disease. Therefore, it has been classified as a Variant of Uncertain Significance. Algorithms developed to predict the effect of missense changes on protein structure and function are either unavailable or do not agree on the potential impact of this missense change (SIFT: "Deleterious"; PolyPhen-2: "Benign"; Align-GVGD: "Class C0"). This variant has not been reported in the literature in individuals affected with CTC1-related conditions. This variant is not present in population databases (gnomAD no frequency). This sequence change replaces proline, which is neutral and non-polar, with leucine, which is neutral and non-polar, at codon 824 of the CTC1 protein (p.Pro824Leu).